The following is an entry in ClinVar:

ClinVar aggregate classification (germline): Uncertain significance (1 of 4 stars; one submission).

Allele frequency attached by ClinVar (database versions not stated): ExAC 0.00002.
gnomAD v4.1: 9 of 1,612,244 alleles (0.00056%); highest among the groups gnomAD compares: South Asian, 0.0066%; no homozygotes.

Submission:

Ambry Genetics
Classification: Uncertain significance. Last evaluated: 2024-09-06. Review status: criteria provided, single submitter. Criteria: Ambry Variant Classification Scheme 2023. Collection method: clinical testing. Allele origin: germline.
Comment: The p.I918V variant (also known as c.2752A>G), located in coding exon 22 of the BUB1 gene, results from an A to G substitution at nucleotide position 2752. The isoleucine at codon 918 is replaced by valine, an amino acid with highly similar properties. This amino acid position is conserved. In addition, this alteration is predicted to be tolerated by in silico analysis. Since supporting evidence is limited at this time, the clinical significance of this alteration remains unclear.

NM_004336.5(BUB1):c.2752A>G (p.Ile918Val)

Gene: BUB1 (BUB1 mitotic checkpoint serine/threonine kinase; minus strand). Cytogenetic location: 2q13.
Variant type: single nucleotide variant.
Coding change: c.2752A>G on transcript NM_004336.5 (MANE Select); coding-DNA position 2752, A replaced by G.
Protein change: p.Ile918Val; replaces isoleucine 918 with valine.
Molecular consequence: missense variant. On other transcripts: intron variant (1).
Genome position (GRCh38, 1-based): chr2:110,641,338, T>C on the plus strand (A>G on the coding strand, the complement: BUB1 is on the minus strand). VCF-style: chr2-110641338-T-C. GRCh37 (hg19) VCF-style: chr2-111398915-T-C.
Other names: c.2692A>G, p.Ile898Val (NM_001278616.2); c.2626-146A>G (NM_001278617.2); short protein forms I898V, I918V.
Identifiers: ClinVar variation 1795580 (VCV001795580.3), dbSNP rs776826645, ClinGen allele CA1827735.